The following is an entry in ClinVar:

NM_001386795.1(DTNA):c.2114C>G (p.Pro705Arg)

Gene: DTNA (dystrobrevin alpha; plus strand). Cytogenetic location: 18q12.1.
Variant type: single nucleotide variant.
Coding change: c.2114C>G on transcript NM_001386795.1 (MANE Select); coding-DNA position 2114, C replaced by G.
Protein change: p.Pro705Arg; replaces proline 705 with arginine.
Molecular consequence: missense variant.
Genome position (GRCh38, 1-based): chr18:34,879,671, C>G. VCF-style: chr18-34879671-C-G. GRCh37 (hg19) VCF-style: chr18-32459635-C-G.
Other names: c.1853C>G, p.Pro618Arg (NM_001198938.2, NM_001198940.2, NM_001386753.1 and 5 more transcripts); c.1874C>G, p.Pro625Arg (NM_001198939.2); c.1160C>G, p.Pro387Arg (NM_001198942.1); c.1103C>G, p.Pro368Arg (NM_001198943.1); c.989C>G, p.Pro330Arg (NM_001198944.1); c.1943C>G, p.Pro648Arg (NM_001386754.1, NM_001386755.1, NM_001386756.1 and 3 more transcripts); c.1940C>G, p.Pro647Arg (NM_001386760.1); c.1862C>G, p.Pro621Arg (NM_001386761.1, NM_032975.4); and 5 more; short protein forms P647R, P705R, P326R, P330R, P368R, P621R, P618R, P648R.
Identifiers: ClinVar variation 2880248 (VCV002880248.3), dbSNP rs2522924028, ClinGen allele CA402180264.

ClinVar aggregate classification (germline): Uncertain significance (1 of 4 stars; one submission).

Conditions:
Left ventricular noncompaction 1 (LVNC1). Also called: LEFT VENTRICULAR NONCOMPACTION 1 WITH OR WITHOUT CONGENITAL HEART DEFECTS. Identifiers: Orphanet 54260, MedGen C1858725, MONDO:0011403, OMIM 604169.

Submission:

Labcorp Genetics (formerly Invitae), Labcorp
Classification: Uncertain significance for Left ventricular noncompaction 1. Last evaluated: 2023-05-05. Review status: criteria provided, single submitter. Criteria: Invitae Variant Classification Sherloc (09022015). Collection method: clinical testing. Allele origin: germline.
Comment: This sequence change replaces proline, which is neutral and non-polar, with arginine, which is basic and polar, at codon 678 of the DTNA protein (p.Pro678Arg). This variant is not present in population databases (gnomAD no frequency). This variant has not been reported in the literature in individuals affected with DTNA-related conditions. An algorithm developed to predict the effect of missense changes on protein structure and function (PolyPhen-2) suggests that this variant is likely to be disruptive. In summary, the available evidence is currently insufficient to determine the role of this variant in disease. Therefore, it has been classified as a Variant of Uncertain Significance.